The following is an entry in ClinVar:

ClinVar aggregate classification (germline): Conflicting classifications of pathogenicity. Review status: criteria provided, conflicting classifications (1 of 4 stars). 2 submissions from 2 submitters: Uncertain significance (1); Likely benign (1). Last evaluated 2026-06-18.

Conditions:
COL18A1-related disorder. Also called: COL18A1-related disorders; COL18A1-related condition.

gnomAD v4.1: 19 of 1,450,138 alleles (0.0013%); highest among the groups gnomAD compares: Admixed American, 0.0057%; no homozygotes.

Submissions (2):

Women's Health and Genetics/Laboratory Corporation of America, LabCorp
Classification: Likely benign. Last evaluated: 2026-06-18. Review status: criteria provided, single submitter. Criteria: LabCorp Variant Classification Summary - May 2015. Collection method: clinical testing. Allele origin: germline.

PreventionGenetics, part of Exact Sciences
Classification: Uncertain significance for COL18A1-related condition. Last evaluated: 2024-11-20. Review status: criteria provided, single submitter. Criteria: ACMG Guidelines, 2015. Collection method: clinical testing. Allele origin: germline.
Comment: The COL18A1 c.1337T>C variant is predicted to result in the amino acid substitution p.Ile446Thr. To our knowledge, this variant has not been reported in the literature. This variant is reported in 0.0065% of alleles in individuals of European (Non-Finnish) descent in gnomAD. At this time, the clinical significance of this variant is uncertain due to the absence of conclusive functional and genetic evidence.

NM_001379500.1(COL18A1):c.107-11375T>C

Gene: COL18A1 (collagen type XVIII alpha 1 chain; plus strand). Cytogenetic location: 21q22.3.
Variant type: single nucleotide variant.
Coding change: c.107-11375T>C on transcript NM_001379500.1 (MANE Select); 11375 bases into the intron before coding-DNA position 107, T replaced by C.
Molecular consequence: intron variant. On other transcripts: missense variant (1).
Genome position (GRCh38, 1-based): chr21:45,456,867, T>C. VCF-style: chr21-45456867-T-C. GRCh37 (hg19) VCF-style: chr21-46876781-T-C.
Other names: c.1337T>C (NM_130444.2); c.1337T>C, p.Ile446Thr (NM_130444.3); c.646+691T>C (NM_030582.4); short protein forms I446T.
Identifiers: ClinVar variation 4887158 (VCV004887158.2).